The following is an entry in ClinVar:

ClinVar aggregate classification (germline): Benign (1 of 4 stars; one submission).

Conditions:
Childhood apraxia of speech (SPCH1). Also called: DEVELOPMENTAL VERBAL DYSPRAXIA; Speech language disorder; FOXP2-Related Speech and Language Disorder; SPEECH AND LANGUAGE DISORDER WITH OROFACIAL DYSPRAXIA. Identifiers: Orphanet 209908, MedGen C0750927, MONDO:0011184, OMIM 602081.

Allele frequency attached by ClinVar (database versions not stated): 1000 Genomes Project 30x 0.00031; 1000 Genomes Project 0.00040; gnomAD exomes 0.00134 and 0.00240; TOPMed 0.00150; ExAC 0.00151; gnomAD 0.00239.
gnomAD v4.1: 3,593 of 1,537,470 alleles (0.23%); highest among the groups gnomAD compares: Non-Finnish European, 0.29%; 6 homozygotes.

Submission:

Illumina Laboratory Services, Illumina
Classification: Benign for Childhood apraxia of speech. Last evaluated: 2018-01-12. Review status: criteria provided, single submitter. Criteria: ICSL Variant Classification Criteria 13 December 2019. Collection method: clinical testing. Allele origin: germline.
Comment: This variant was observed in the ICSL laboratory as part of a predisposition screen in an ostensibly healthy population. It had not been previously curated by ICSL or reported in the Human Gene Mutation Database (HGMD: prior to June 1st, 2018), and was therefore a candidate for classification through an automated scoring system. Utilizing variant allele frequency, disease prevalence and penetrance estimates, and inheritance mode, an automated score was calculated to assess if this variant is too frequent to cause the disease. Based on the score and internal cut-off values, a variant classified as benign is not then subjected to further curation. The score for this variant resulted in a classification of benign for this disease.

NM_014491.4(FOXP2):c.*80A>G

Gene: FOXP2 (forkhead box P2; plus strand). Cytogenetic location: 7q31.1.
Variant type: single nucleotide variant.
Coding change: c.*80A>G on transcript NM_014491.4 (MANE Select); 80 bases downstream of the stop codon, A replaced by G.
Molecular consequence: 3 prime UTR variant. On other transcripts: non-coding transcript variant (2).
Genome position (GRCh38, 1-based): chr7:114,690,006, A>G. VCF-style: chr7-114690006-A-G. GRCh37 (hg19) VCF-style: chr7-114330061-A-G.
Other names: c.*80A>G (NM_001172766.3, NM_148898.4, NM_148900.4).
Identifiers: ClinVar variation 358613 (VCV000358613.5), dbSNP rs550961565, ClinGen allele CA4446335.